The following is an entry in ClinVar:

ClinVar aggregate classification (germline): Pathogenic (1 of 4 stars; one submission).

Submission:

Quest Diagnostics Nichols Institute San Juan Capistrano
Classification: Pathogenic. Last evaluated: 2021-06-28. Review status: criteria provided, single submitter. Criteria: ACMG/ClinGen CNV Guidelines, 2019. Collection method: clinical testing. Allele origin: unknown.
Comment: The 18q21.33q23 terminal deletion is associated with chromosome 18q deletion syndrome (OMIM 601808). The common clinical features include intellectual diability, hypotonia, dysmyelination, short stature, hearing loss, and foot deformities (Cody et al., Am J Med Genet C Semin Med Genet. 2015 Sep;169(3):265-80. PMID: 26235940; Linnankivi et al., Am J Med Genet A. 2006 Feb 15;140(4):331-9. PMID: 16419126). Therefore, the classification of this copy number variant is pathogenic.

GRCh37/hg19 18q21.33-23(chr18:61520071-78014123)x1

Genes: FBXO15 (F-box protein 15; minus strand), GALR1 (galanin receptor 1; plus strand), CCDC102B (coiled-coil domain containing 102B; plus strand), CD226 (CD226 molecule; minus strand), CDH19 (cadherin 19; minus strand) and 38 more. Cytogenetic location: 18q21.33-23.
Variant type: copy number loss.
Change: copy number 1 (one copy instead of two) of chr18:61,520,071-78,014,123 (16.49 Mb, GRCh37 coordinates, 1-based), cytogenetic band 18q21.33-23.
Identifiers: ClinVar variation 1807707 (VCV001807707.1).